The following is an entry in ClinVar:

ClinVar aggregate classification (germline): Uncertain significance (1 of 4 stars; one submission).

Conditions:
Familial cancer of breast. Also called: BREAST CANCER, FAMILIAL; Hereditary breast cancer; hereditary breast carcinoma. Identifiers: Orphanet 227535, MedGen C0346153, MONDO:0016419, OMIM 114480. Disease mechanism: loss of function.

Submission:

Labcorp Genetics (formerly Invitae), Labcorp
Classification: Uncertain significance for Familial cancer of breast. Last evaluated: 2022-04-09. Review status: criteria provided, single submitter. Criteria: Invitae Variant Classification Sherloc (09022015). Collection method: clinical testing. Allele origin: germline.
Comment: In summary, the available evidence is currently insufficient to determine the role of this variant in disease. Therefore, it has been classified as a Variant of Uncertain Significance. Algorithms developed to predict the effect of missense changes on protein structure and function are either unavailable or do not agree on the potential impact of this missense change (SIFT: "Deleterious"; PolyPhen-2: "Benign"; Align-GVGD: "Class C0"). This variant has not been reported in the literature in individuals affected with CHEK2-related conditions. This variant is not present in population databases (gnomAD no frequency). This sequence change replaces proline, which is neutral and non-polar, with alanine, which is neutral and non-polar, at codon 484 of the CHEK2 protein (p.Pro484Ala).

NM_007194.4(CHEK2):c.1450C>G (p.Pro484Ala)

Gene: CHEK2 (checkpoint kinase 2; minus strand). Cytogenetic location: 22q12.1.
Variant type: single nucleotide variant.
Coding change: c.1450C>G on transcript NM_007194.4 (MANE Select); coding-DNA position 1450, C replaced by G.
Protein change: p.Pro484Ala; replaces proline 484 with alanine.
Molecular consequence: missense variant.
Genome position (GRCh38, 1-based): chr22:28,694,043, G>C on the plus strand (C>G on the coding strand, the complement: CHEK2 is on the minus strand). VCF-style: chr22-28694043-G-C. GRCh37 (hg19) VCF-style: chr22-29090031-G-C.
Other names: c.1579C>G, p.Pro527Ala (NM_001005735.3); c.787C>G, p.Pro263Ala (NM_001257387.3); c.1249C>G, p.Pro417Ala (NM_001349956.3); c.1363C>G, p.Pro455Ala (NM_145862.3); short protein forms P484A, P263A, P417A, P455A, P527A.
Identifiers: ClinVar variation 2123746 (VCV002123746.4), dbSNP rs548850521, ClinGen allele CA411093976.